The following is an entry in ClinVar:

NM_052813.5(CARD9):c.530G>A (p.Arg177His)

Gene: CARD9 (caspase recruitment domain family member 9; minus strand). Cytogenetic location: 9q34.3.
Variant type: single nucleotide variant.
Coding change: c.530G>A on transcript NM_052813.5 (MANE Select); coding-DNA position 530, G replaced by A.
Protein change: p.Arg177His; replaces arginine 177 with histidine.
Molecular consequence: missense variant.
Genome position (GRCh38, 1-based): chr9:136,370,938, C>T on the plus strand (G>A on the coding strand, the complement: CARD9 is on the minus strand). VCF-style: chr9-136370938-C-T. GRCh37 (hg19) VCF-style: chr9-139265390-C-T.
Other names: c.530G>A, p.Arg177His (NM_052814.4); short protein forms R177H.
Identifiers: ClinVar variation 2069347 (VCV002069347.4), dbSNP rs1043128646, ClinGen allele CA201614638.

ClinVar aggregate classification (germline): Uncertain significance (1 of 4 stars; one submission).

Conditions:
Predisposition to invasive fungal disease due to CARD9 deficiency (IMD103). Also called: CARD9 IMMUNODEFICIENCY; IMMUNODEFICIENCY 103, SUSCEPTIBILITY TO FUNGAL INFECTIONS; Candidiasis, familial, 2, autosomal recessive. Identifiers: Orphanet 457088, MedGen C1859353, MONDO:0008905, OMIM 212050.

Allele frequency attached by ClinVar (database versions not stated): gnomAD 0.00001; gnomAD exomes 0.00001; TOPMed 0.00001.
gnomAD v4.1: 9 of 1,612,000 alleles (0.00056%); highest among the groups gnomAD compares: Admixed American, 0.0017%; no homozygotes.

Submission:

Labcorp Genetics (formerly Invitae), Labcorp
Classification: Uncertain significance for Predisposition to invasive fungal disease due to CARD9 deficiency. Last evaluated: 2022-01-21. Review status: criteria provided, single submitter. Criteria: Invitae Variant Classification Sherloc (09022015). Collection method: clinical testing. Allele origin: germline.
Comment: In summary, the available evidence is currently insufficient to determine the role of this variant in disease. Therefore, it has been classified as a Variant of Uncertain Significance. Algorithms developed to predict the effect of missense changes on protein structure and function are either unavailable or do not agree on the potential impact of this missense change (SIFT: "Deleterious"; PolyPhen-2: "Benign"; Align-GVGD: "Class C0"). This variant has not been reported in the literature in individuals affected with CARD9-related conditions. This variant is present in population databases (no rsID available, gnomAD 0.003%). This sequence change replaces arginine, which is basic and polar, with histidine, which is basic and polar, at codon 177 of the CARD9 protein (p.Arg177His).